The following is an entry in ClinVar:

ClinVar aggregate classification (germline): Likely benign (1 of 4 stars; one submission).

Allele frequency attached by ClinVar (database versions not stated): gnomAD 0.00005; gnomAD exomes 0.00005; ExAC 0.00012.

Submission:

CeGaT Center for Human Genetics Tuebingen
Classification: Likely benign. Last evaluated: 2024-02-01. Review status: criteria provided, single submitter. Criteria: CeGaT Center For Human Genetics Tuebingen Variant Classification Criteria Version 2. Collection method: clinical testing. Allele origin: germline. Affected: yes. Observed: 1 variant allele.
Comment: MUC5B: BS2

NM_002458.3(MUC5B):c.10891G>A (p.Gly3631Ser)

Genes: MUC5B (mucin 5B, oligomeric mucus/gel-forming; plus strand), MUC5B-AS1 (MUC5B antisense RNA 1; minus strand). Cytogenetic location: 11p15.5.
Variant type: single nucleotide variant.
Coding change: c.10891G>A on transcript NM_002458.3 (MANE Select); coding-DNA position 10891, G replaced by A.
Protein change: p.Gly3631Ser; replaces glycine 3631 with serine.
Molecular consequence: missense variant.
Genome position (GRCh38, 1-based): chr11:1,247,771, G>A. VCF-style: chr11-1247771-G-A. GRCh37 (hg19) VCF-style: chr11-1269001-G-A.
Other names: short protein forms G3631S.
Identifiers: ClinVar variation 3025513 (VCV003025513.22), dbSNP rs763900184, ClinGen allele CA5807482.